The following is an entry in ClinVar:

ClinVar aggregate classification (germline): Uncertain significance (1 of 4 stars; one submission).

Submission:

Labcorp Genetics (formerly Invitae), Labcorp
Classification: Uncertain significance. Last evaluated: 2025-08-07. Review status: criteria provided, single submitter. Criteria: Invitae Variant Classification Sherloc (09022015). Collection method: clinical testing. Allele origin: germline.
Comment: This sequence change replaces phenylalanine, which is neutral and non-polar, with cysteine, which is neutral and slightly polar, at codon 524 of the HSPG2 protein (p.Phe524Cys). This variant is not present in population databases (gnomAD no frequency). This variant has not been reported in the literature in individuals affected with HSPG2-related conditions. An algorithm developed to predict the effect of missense changes on protein structure and function (PolyPhen-2) suggests that this variant is likely to be disruptive. In summary, the available evidence is currently insufficient to determine the role of this variant in disease. Therefore, it has been classified as a Variant of Uncertain Significance.

NM_005529.7(HSPG2):c.1571T>G (p.Phe524Cys)

Gene: HSPG2 (heparan sulfate proteoglycan 2; minus strand). Cytogenetic location: 1p36.12.
Variant type: single nucleotide variant.
Coding change: c.1571T>G on transcript NM_005529.7 (MANE Select); coding-DNA position 1571, T replaced by G.
Protein change: p.Phe524Cys; replaces phenylalanine 524 with cysteine.
Molecular consequence: missense variant.
Genome position (GRCh38, 1-based): chr1:21,884,611, A>C on the plus strand (T>G on the coding strand, the complement: HSPG2 is on the minus strand). VCF-style: chr1-21884611-A-C. GRCh37 (hg19) VCF-style: chr1-22211104-A-C.
Other names: c.1574T>G, p.Phe525Cys (NM_001291860.2); short protein forms F525C, F524C.
Identifiers: ClinVar variation 4725009 (VCV004725009.1).